The following is an entry in ClinVar:

NM_020461.4(TUBGCP6):c.3175G>A (p.Ala1059Thr)

Gene: TUBGCP6 (tubulin gamma complex component 6; minus strand). Cytogenetic location: 22q13.33.
Variant type: single nucleotide variant.
Coding change: c.3175G>A on transcript NM_020461.4 (MANE Select); coding-DNA position 3175, G replaced by A.
Protein change: p.Ala1059Thr; replaces alanine 1059 with threonine.
Molecular consequence: missense variant.
Genome position (GRCh38, 1-based): chr22:50,221,184, C>T on the plus strand (G>A on the coding strand, the complement: TUBGCP6 is on the minus strand). VCF-style: chr22-50221184-C-T. GRCh37 (hg19) VCF-style: chr22-50659613-C-T.
Other names: short protein forms A1059T.
Identifiers: ClinVar variation 1000737 (VCV001000737.6), dbSNP rs199602691, ClinGen allele CA10308027.

ClinVar aggregate classification (germline): Uncertain significance (1 of 4 stars; one submission).

Allele frequency attached by ClinVar (database versions not stated): gnomAD 0.00002 and 0.00004; gnomAD exomes 0.00002 and 0.00010; TOPMed 0.00005; ExAC 0.00008; 1000 Genomes Project 30x 0.00031; 1000 Genomes Project 0.00040.

Submission:

Labcorp Genetics (formerly Invitae), Labcorp
Classification: Uncertain significance. Last evaluated: 2023-08-10. Review status: criteria provided, single submitter. Criteria: Invitae Variant Classification Sherloc (09022015). Collection method: clinical testing. Allele origin: germline.
Comment: In summary, the available evidence is currently insufficient to determine the role of this variant in disease. Therefore, it has been classified as a Variant of Uncertain Significance. This sequence change replaces alanine, which is neutral and non-polar, with threonine, which is neutral and polar, at codon 1059 of the TUBGCP6 protein (p.Ala1059Thr). This variant is present in population databases (rs199602691, gnomAD 0.1%). This variant has not been reported in the literature in individuals affected with TUBGCP6-related conditions. ClinVar contains an entry for this variant (Variation ID: 1000737). Algorithms developed to predict the effect of missense changes on protein structure and function output the following: SIFT: "Not Available"; PolyPhen-2: "Possibly Damaging"; Align-GVGD: "Not Available". The threonine amino acid residue is found in multiple mammalian species, which suggests that this missense change does not adversely affect protein function.